The following is an entry in ClinVar:

ClinVar aggregate classification (germline): Uncertain significance (1 of 4 stars; one submission).

Conditions:
PLXNA3-related disorder. Also called: PLXNA3-related condition.

gnomAD v4.1: 2 of 1,211,413 alleles (0.00017%); highest among the groups gnomAD compares: Non-Finnish European, 0.00022%; no homozygotes.

Submission:

PreventionGenetics, part of Exact Sciences
Classification: Uncertain significance for PLXNA3-related condition. Last evaluated: 2025-03-20. Review status: criteria provided, single submitter. Criteria: ACMG Guidelines, 2015. Collection method: clinical testing. Allele origin: germline.
Comment: The PLXNA3 c.4355T>C variant is predicted to result in the amino acid substitution p.Ile1452Thr. To our knowledge, this variant has not been reported in the literature or in a large population database (gnomAD), indicating this variant is rare. At this time, the clinical significance of this variant is uncertain due to the absence of conclusive functional and genetic evidence.

NM_017514.5(PLXNA3):c.4355T>C (p.Ile1452Thr)

Gene: PLXNA3 (plexin A3; plus strand). Cytogenetic location: Xq28.
Variant type: single nucleotide variant.
Coding change: c.4355T>C on transcript NM_017514.5 (MANE Select); coding-DNA position 4355, T replaced by C.
Protein change: p.Ile1452Thr; replaces isoleucine 1452 with threonine.
Molecular consequence: missense variant.
Genome position (GRCh38, 1-based): chrX:154,468,890, T>C. VCF-style: chrX-154468890-T-C. GRCh37 (hg19) VCF-style: chrX-153697233-T-C.
Other names: short protein forms I1452T.
Identifiers: ClinVar variation 4999086 (VCV004999086.1).
Genomic context (GRCh38, chrX:154,468,890, plus strand): 5'-CTGGGGAGCCTCTCTTCCTGCTTTACTGTGCCATCAAGCAGCAGATGGAGAAGGGCCCCA[T>C]TGATGCCATCACGGGCGAGGCACGATACTCCCTGAGCGAGGACAAGCTCATCCGTCAGCA-3'
Protein context (NP_059984.3, residues 1442-1462): AIKQQMEKGP[Ile1452Thr]DAITGEARYS